The following is an entry in ClinVar:

NM_000088.4(COL1A1):c.1916C>A (p.Ser639Tyr)

Gene: COL1A1 (collagen type I alpha 1 chain; minus strand). Cytogenetic location: 17q21.33.
Variant type: single nucleotide variant.
Coding change: c.1916C>A on transcript NM_000088.4 (MANE Select); coding-DNA position 1916, C replaced by A.
Protein change: p.Ser639Tyr; replaces serine 639 with tyrosine.
Molecular consequence: missense variant.
Genome position (GRCh38, 1-based): chr17:50,192,653, G>T on the plus strand (C>A on the coding strand, the complement: COL1A1 is on the minus strand). VCF-style: chr17-50192653-G-T. GRCh37 (hg19) VCF-style: chr17-48270014-G-T.
Other names: short protein forms S639Y.
Identifiers: ClinVar variation 5017285 (VCV005017285.1).
Genomic context (GRCh38, chr17:50,192,653, plus strand): 5'-GTTTCCTACCCCTACCTCCCAGCATCCTGACAGCCATGAGGCCTCACCTGGAATCCGGGG[G>T]AGCCAGCAGGGCCTTGTTCACCTCTCTCGCCAGCGGGACCCTGCACAGAGAGAACACTAC-3'
Protein context (NP_000079.2, residues 629-649): GERGEQGPAG[Ser639Tyr]PGFQGLPGPA

ClinVar aggregate classification (germline): Uncertain significance (1 of 4 stars; one submission).

Submission:

GeneDx
Classification: Uncertain significance. Last evaluated: 2026-03-24. Review status: criteria provided, single submitter. Criteria: GeneDx Variant Classification Process June 2021. Collection method: clinical testing. Allele origin: germline.
Comment: Not observed at significant frequency in large population cohorts (gnomAD); In silico analysis suggests that this missense variant does not alter protein structure/function; Has not been previously published as pathogenic or benign to our knowledge; Occurs in the triple helical domain at the X position in the canonical Gly-X-Y repeat; although this variant may have an effect on normal protein folding and function, missense substitution at the X position is not a common mechanism of disease (HGMD)